The following is an entry in ClinVar:

ClinVar aggregate classification (germline): Uncertain significance (1 of 4 stars; one submission).

Conditions:
Hereditary sensory and autonomic neuropathy type 6. Also called: Neuropathy, hereditary sensory and autonomic, type VI; HSAN VI. Identifiers: Orphanet 314381, MedGen C3539003, MONDO:0013839, OMIM 614653.
Epidermolysis bullosa simplex 3, localized or generalized intermediate, with BP230 deficiency (EBS3). Also called: Epidermolysis bullosa simplex due to BP230 deficiency; Epidermolysis bullosa simplex, autosomal recessive 2. Identifiers: Orphanet 412181, MedGen C3809470, MONDO:0014180, OMIM 615425.

Allele frequency attached by ClinVar (database versions not stated): gnomAD exomes below 0.00001.
gnomAD v4.1: 1 of 1,613,908 alleles (0.000062%); highest among the groups gnomAD compares: Non-Finnish European, 0.000085%; no homozygotes.

Submission:

Labcorp Genetics (formerly Invitae), Labcorp
Classification: Uncertain significance for Epidermolysis bullosa simplex 3, localized or generalized intermediate, with BP230 deficiency; Hereditary sensory and autonomic neuropathy type 6. Last evaluated: 2024-02-24. Review status: criteria provided, single submitter. Criteria: Invitae Variant Classification Sherloc (09022015). Collection method: clinical testing. Allele origin: germline.
Comment: The DST gene has multiple clinically relevant transcripts. This variant occurs in alternate transcript NM_015548.4, and corresponds to NM_001723.5:c.*155347A>T in the primary transcript. This sequence change replaces isoleucine, which is neutral and non-polar, with leucine, which is neutral and non-polar, at codon 5072 of the DST protein (p.Ile5072Leu). This variant is not present in population databases (gnomAD no frequency). This variant has not been reported in the literature in individuals affected with DST-related conditions. Experimental studies and prediction algorithms are not available or were not evaluated, and the functional significance of this variant is currently unknown. In summary, the available evidence is currently insufficient to determine the role of this variant in disease. Therefore, it has been classified as a Variant of Uncertain Significance.

NM_001374736.1(DST):c.23155A>T (p.Ile7719Leu)

Gene: DST (dystonin; minus strand). Cytogenetic location: 6p12.1.
Variant type: single nucleotide variant.
Coding change: c.23155A>T on transcript NM_001374736.1 (MANE Select); coding-DNA position 23155, A replaced by T.
Protein change: p.Ile7719Leu; replaces isoleucine 7719 with leucine.
Molecular consequence: missense variant.
Genome position (GRCh38, 1-based): chr6:56,460,170, T>A on the plus strand (A>T on the coding strand, the complement: DST is on the minus strand). VCF-style: chr6-56460170-T-A. GRCh37 (hg19) VCF-style: chr6-56324968-T-A.
Other names: c.16726A>T, p.Ile5576Leu (NM_001144769.5); c.16312A>T, p.Ile5438Leu (NM_001144770.2); c.23083A>T, p.Ile7695Leu (NM_001374722.1); c.22084A>T, p.Ile7362Leu (NM_001374729.1); c.15826A>T, p.Ile5276Leu (NM_001374730.1); c.23110A>T, p.Ile7704Leu (NM_001374734.1); c.16174A>T, p.Ile5392Leu (NM_001386100.1); c.15214A>T, p.Ile5072Leu (NM_015548.5); and 1 more; short protein forms I7362L, I7719L, I5276L, I5398L, I5576L, I5072L, I5392L, I7704L.
Identifiers: ClinVar variation 1971364 (VCV001971364.5), dbSNP rs2533205098, ClinGen allele CA364503719.